The following is an entry in ClinVar:

NM_006160.4(NEUROD2):c.128C>T (p.Ala43Val)

Gene: NEUROD2 (neuronal differentiation 2; minus strand). Cytogenetic location: 17q12.
Variant type: single nucleotide variant.
Coding change: c.128C>T on transcript NM_006160.4 (MANE Select); coding-DNA position 128, C replaced by T.
Protein change: p.Ala43Val; replaces alanine 43 with valine.
Molecular consequence: missense variant.
Genome position (GRCh38, 1-based): chr17:39,606,472, G>A on the plus strand (C>T on the coding strand, the complement: NEUROD2 is on the minus strand). VCF-style: chr17-39606472-G-A. GRCh37 (hg19) VCF-style: chr17-37762725-G-A.
Other names: c.128C>T (NM_006160.3); short protein forms A43V.
Identifiers: ClinVar variation 3026413 (VCV003026413.23), dbSNP rs145445629, ClinGen allele CA8531863.

ClinVar aggregate classification (germline): Conflicting classifications of pathogenicity. Review status: criteria provided, conflicting classifications (1 of 4 stars). 2 submissions from 2 submitters: Uncertain significance (1); Likely benign (1). Last evaluated 2024-05-10.

Conditions:
Inborn genetic diseases. Identifiers: MedGen C0950123, MeSH D030342.

Allele frequency attached by ClinVar (database versions not stated): TOPMed 0.00001; gnomAD 0.00003; gnomAD exomes 0.00008; 1000 Genomes Project 30x 0.00016; ExAC 0.00017; 1000 Genomes Project 0.00020.
gnomAD v4.1: 116 of 1,534,156 alleles (0.0076%); highest among the groups gnomAD compares: East Asian, 0.26%; no homozygotes.

Submissions (2):

Ambry Genetics
Classification: Uncertain significance for Inborn genetic diseases. Last evaluated: 2024-05-10. Review status: criteria provided, single submitter. Criteria: Ambry Variant Classification Scheme 2023. Collection method: clinical testing. Allele origin: germline.

CeGaT Center for Human Genetics Tuebingen
Classification: Likely benign. Last evaluated: 2024-01-01. Review status: criteria provided, single submitter. Criteria: CeGaT Center For Human Genetics Tuebingen Variant Classification Criteria Version 2. Collection method: clinical testing. Allele origin: germline. Affected: yes. Observed: 1 variant allele.
Comment: NEUROD2: PP2, PP3, BS2